The following is an entry in ClinVar:

ClinVar aggregate classification (germline): Uncertain significance. Review status: criteria provided, multiple submitters, no conflicts (2 of 4 stars). 2 submissions from 2 submitters: Uncertain significance (2). Last evaluated 2021-10-21.

Allele frequency attached by ClinVar (database versions not stated): gnomAD exomes 0.00005 and 0.00012; ExAC 0.00013; ESP Exome Variant Server 0.00015; TOPMed 0.00030; 1000 Genomes Project 30x 0.00031; gnomAD 0.00036 and 0.00039; 1000 Genomes Project 0.00040.
gnomAD v4.1: 126 of 1,614,048 alleles (0.0078%); highest among the groups gnomAD compares: African/African-American, 0.11%; no homozygotes.

Submissions (4):

Labcorp Genetics (formerly Invitae), Labcorp
Classification: Uncertain significance. Last evaluated: 2021-10-21. Review status: criteria provided, single submitter. Criteria: Invitae Variant Classification Sherloc (09022015). Collection method: clinical testing. Allele origin: germline.
Comment: This sequence change falls in intron 8 of the TNK2 gene. It does not directly change the encoded amino acid sequence of the TNK2 protein. It affects a nucleotide within the consensus splice site. This variant is present in population databases (rs370947158, ExAC 0.1%). This variant has not been reported in the literature in individuals affected with TNK2-related conditions. Variants that disrupt the consensus splice site are a relatively common cause of aberrant splicing (PMID: 17576681, 9536098). Algorithms developed to predict the effect of sequence changes on RNA splicing suggest that this variant is not likely to affect RNA splicing. In summary, the available evidence is currently insufficient to determine the role of this variant in disease. Therefore, it has been classified as a Variant of Uncertain Significance.

Breakthrough Genomics
Classification: Uncertain significance. Review status: criteria provided, single submitter. Criteria: ACMG Guidelines, 2015. Collection method: not provided. Allele origin: germline. Inheritance: Unknown mechanism. Affected: yes.

Dr. Peter K. Rogan Lab, Western University
No classification provided (evidence only). Condition: Familial cancer of breast. Review status: no classification provided. Collection method: in vitro. Allele origin: not applicable. Functional consequence: retained intron. Not counted in ClinVar's aggregate classification.

Dr. Peter K. Rogan Lab, Western University
No classification provided (evidence only). Condition: Colon adenocarcinoma. Review status: no classification provided. Collection method: in vitro. Allele origin: not applicable. Functional consequence: retained intron. Not counted in ClinVar's aggregate classification.

Literature cited by the submitters: PubMed 17576681 (cited by Labcorp Genetics (formerly Invitae), Labcorp); PubMed 9536098 (cited by Labcorp Genetics (formerly Invitae), Labcorp).

NM_001382273.1(TNK2):c.1162-3C>T

Gene: TNK2 (tyrosine kinase non receptor 2; minus strand). Cytogenetic location: 3q29.
Variant type: single nucleotide variant.
Coding change: c.1162-3C>T on transcript NM_001382273.1 (MANE Select); 3 bases into the intron before coding-DNA position 1162, C replaced by T.
Molecular consequence: intron variant.
Genome position (GRCh38, 1-based): chr3:195,878,350, G>A on the plus strand (C>T on the coding strand, the complement: TNK2 is on the minus strand). VCF-style: chr3-195878350-G-A. GRCh37 (hg19) VCF-style: chr3-195605221-G-A.
Other names: c.1162-3C>T (NM_001387720.1, NM_005781.5, NM_001386164.1 and 12 more transcripts); c.1234-3C>T (NM_001387715.1, NM_001387708.1, NM_001010938.2 and 1 more transcripts); c.1258-3C>T (NM_001308046.2, NM_001382271.1, NM_001382275.1 and 1 more transcripts).
Identifiers: ClinVar variation 1480276 (VCV001480276.3), dbSNP rs370947158, ClinGen allele CA2776569.
Genomic context (GRCh38, chr3:195,878,350, plus strand): 5'-TGTGCAGCTTGTCCGGTTCCTCAAAGTCCTGAAGGGCCCGCATGTCTGTGGGCTGGGCCT[G>A]GAGGAAGAGGAAGGTCGTGGCCAACTCTGGGACTGACGCCTGGGTAGCCCCTCAGCTTGA-3'